The following is an entry in ClinVar:

NM_130837.3(OPA1):c.410C>G (p.Pro137Arg)

Gene: OPA1 (OPA1 mitochondrial dynamin like GTPase; plus strand). Cytogenetic location: 3q29.
Variant type: single nucleotide variant.
Coding change: c.410C>G on transcript NM_130837.3 (MANE Select); coding-DNA position 410, C replaced by G.
Protein change: p.Pro137Arg; replaces proline 137 with arginine.
Molecular consequence: missense variant.
Genome position (GRCh38, 1-based): chr3:193,615,732, C>G. VCF-style: chr3-193615732-C-G. GRCh37 (hg19) VCF-style: chr3-193333521-C-G.
Other names: c.38C>G, p.Pro13Arg (NM_001354663.2, NM_001354664.2); c.410C>G, p.Pro137Arg (NM_015560.3, NM_130831.3, NM_130832.3 and 4 more transcripts); short protein forms P137R, P13R.
Identifiers: ClinVar variation 1720826 (VCV001720826.5), dbSNP rs1172029551, ClinGen allele CA355787185.
Genomic context (GRCh38, chr3:193,615,732, plus strand): 5'-AGACTTTTGATCAGTGGAAAGATATGATACCGGACCTTAGTGAATATAAATGGATTGTGC[C>G]TGACATTGTGTGGGAAATTGATGAGTATATCGATTTTGGTTTGTATCATGAACATTAAAA-3'
Protein context (NP_570850.2, residues 127-147): PDLSEYKWIV[Pro137Arg]DIVWEIDEYI

ClinVar aggregate classification (germline): Uncertain significance (1 of 4 stars; one submission).

Allele frequency attached by ClinVar (database versions not stated): gnomAD exomes below 0.00001.
gnomAD v4.1: 4 of 1,612,514 alleles (0.00025%); highest among the groups gnomAD compares: Non-Finnish European, 0.00034%; no homozygotes.

Submission:

Labcorp Genetics (formerly Invitae), Labcorp
Classification: Uncertain significance. Last evaluated: 2024-09-21. Review status: criteria provided, single submitter. Criteria: Invitae Variant Classification Sherloc (09022015). Collection method: clinical testing. Allele origin: germline.
Comment: This sequence change replaces proline, which is neutral and non-polar, with arginine, which is basic and polar, at codon 137 of the OPA1 protein (p.Pro137Arg). This variant is not present in population databases (gnomAD no frequency). This variant has not been reported in the literature in individuals affected with OPA1-related conditions. ClinVar contains an entry for this variant (Variation ID: 1720826). Invitae Evidence Modeling of protein sequence and biophysical properties (such as structural, functional, and spatial information, amino acid conservation, physicochemical variation, residue mobility, and thermodynamic stability) indicates that this missense variant is not expected to disrupt OPA1 protein function with a negative predictive value of 80%. In summary, the available evidence is currently insufficient to determine the role of this variant in disease. Therefore, it has been classified as a Variant of Uncertain Significance.